The following is an entry in ClinVar:

NC_000014.8:g.(?_67243162)_(67490412_?)dup

Gene: GPHN (gephyrin; plus strand). Cytogenetic location: 14q23.3.
Variant type: Duplication.
Identifiers: ClinVar variation 2426613 (VCV002426613.4).

ClinVar aggregate classification (germline): Likely pathogenic (1 of 4 stars; one submission).

Conditions:
Sulfite oxidase deficiency due to molybdenum cofactor deficiency type C. Also called: Molybdenum cofactor deficiency, complementation group C; Molybdenum cofactor deficiency C. Identifiers: Orphanet 308400, Orphanet 833, MedGen C1854990, MONDO:0014212, OMIM 615501.

Submission:

Labcorp Genetics (formerly Invitae), Labcorp
Classification: Likely pathogenic for Sulfite oxidase deficiency due to molybdenum cofactor deficiency type C. Last evaluated: 2022-05-10. Review status: criteria provided, single submitter. Criteria: Invitae Variant Classification Sherloc (09022015). Collection method: clinical testing. Allele origin: germline.
Comment: This variant results in a copy number gain of the genomic region encompassing exon(s) 3-10 of the GPHN gene. While the exact position of this variant cannot be determined from the data, sub-genic copy number gains are generally in tandem (PMID: 25640679). This variant is predicted to be out-of-frame, and may result in an absent or disrupted protein product. Loss-of-function variants in GPHN are known to be pathogenic (PMID: 11095995, 23184456, 23393157). This variant has not been reported in the literature in individuals affected with GPHN-related conditions. In summary, the currently available evidence indicates that the variant is pathogenic, but additional data are needed to prove that conclusively. Therefore, this variant has been classified as Likely Pathogenic.

Literature cited by the submitters: PubMed 25640679; PubMed 11095995; PubMed 23184456; PubMed 23393157.